The following is an entry in ClinVar:

NM_004972.4(JAK2):c.2193T>A (p.Asn731Lys)

Genes: INSL6 (insulin like 6; minus strand), JAK2 (Janus kinase 2; plus strand). Cytogenetic location: 9p24.1.
Variant type: single nucleotide variant.
Coding change: c.2193T>A on transcript NM_004972.4 (MANE Select); coding-DNA position 2193, T replaced by A.
Protein change: p.Asn731Lys; replaces asparagine 731 with lysine.
Molecular consequence: missense variant. On other transcripts: non-coding transcript variant (2).
Genome position (GRCh38, 1-based): chr9:5,080,290, T>A. VCF-style: chr9-5080290-T-A. GRCh37 (hg19) VCF-style: chr9-5080290-T-A.
Other names: c.2193T>A, p.Asn731Lys (NM_001322194.2, NM_001322195.2, NM_001322196.2); c.978T>A, p.Asn326Lys (NM_001322198.2, NM_001322199.2); c.1746T>A, p.Asn582Lys (NM_001322204.2); short protein forms N326K, N582K, N731K.
Identifiers: ClinVar variation 4736963 (VCV004736963.1).
Genomic context (GRCh38, chr9:5,080,290, plus strand): 5'-TCTTCAGGAGAGAATACCATGGGTACCACCTGAATGCATTGAAAATCCTAAAAATTTAAA[T>A]TTGGCAACAGACAAATGGAGTTTTGGTACCACTTTGTGGGAAATCTGCAGTGGAGGAGAT-3'
Protein context (NP_004963.1, residues 721-741): PECIENPKNL[Asn731Lys]LATDKWSFGT

ClinVar aggregate classification (germline): Uncertain significance (1 of 4 stars; one submission).

Submission:

Labcorp Genetics (formerly Invitae), Labcorp
Classification: Uncertain significance. Last evaluated: 2025-09-12. Review status: criteria provided, single submitter. Criteria: Invitae Variant Classification Sherloc (09022015). Collection method: clinical testing. Allele origin: germline.
Comment: This sequence change replaces asparagine, which is neutral and polar, with lysine, which is basic and polar, at codon 731 of the JAK2 protein (p.Asn731Lys). This variant is not present in population databases (gnomAD no frequency). This variant has not been reported in the literature in individuals affected with JAK2-related conditions. Invitae Evidence Modeling of protein sequence and biophysical properties (such as structural, functional, and spatial information, amino acid conservation, physicochemical variation, residue mobility, and thermodynamic stability) indicates that this missense variant is not expected to disrupt JAK2 protein function with a negative predictive value of 80%. In summary, the available evidence is currently insufficient to determine the role of this variant in disease. Therefore, it has been classified as a Variant of Uncertain Significance.